The following is an entry in ClinVar:

ClinVar aggregate classification (germline): Benign. Review status: criteria provided, multiple submitters, no conflicts (2 of 4 stars). 2 submissions from 2 submitters: Benign (2). Last evaluated 2017-04-27.

Conditions:
Cataract 15 multiple types. Also called: CATARACT 15, LAMELLAR WITH SUTURAL OPACITIES. Identifiers: Orphanet 91492, MedGen C3809001, MONDO:0014110, OMIM 615274.

Allele frequency attached by ClinVar (database versions not stated): TOPMed 0.29813; gnomAD 0.32150 and 0.32558; 1000 Genomes Project 0.26917; 1000 Genomes Project 30x 0.26483; gnomAD exomes 0.38636.
gnomAD v4.1: 49,678 of 152,224 alleles (33%); highest among the groups gnomAD compares: South Asian, 43%; 9,439 homozygotes.

Submissions (2):

Illumina Laboratory Services, Illumina
Classification: Benign for Cataract 15 multiple types. Last evaluated: 2017-04-27. Review status: criteria provided, single submitter. Criteria: ICSL Variant Classification Criteria 13 December 2019. Collection method: clinical testing. Allele origin: germline.
Comment: This variant was observed as part of a predisposition screen in an ostensibly healthy population. A literature search was performed for the gene, cDNA change, and amino acid change (where applicable). No publications were found based on this search. Allele frequency data from public databases was too high to be consistent with this variant causing disease. Therefore, this variant is classified as benign.

Breakthrough Genomics
Classification: Benign. Review status: criteria provided, single submitter. Criteria: ACMG Guidelines, 2015. Collection method: not provided. Allele origin: germline. Inheritance: Autosomal dominant inheritance. Affected: yes.

NM_012064.4(MIP):c.*715G>A

Gene: MIP (major intrinsic protein of lens fiber; minus strand). Cytogenetic location: 12q13.3.
Variant type: single nucleotide variant.
Coding change: c.*715G>A on transcript NM_012064.4 (MANE Select); 715 bases downstream of the stop codon, G replaced by A.
Molecular consequence: 3 prime UTR variant.
Genome position (GRCh38, 1-based): chr12:56,450,565, C>T on the plus strand (G>A on the coding strand, the complement: MIP is on the minus strand). VCF-style: chr12-56450565-C-T. GRCh37 (hg19) VCF-style: chr12-56844349-C-T.
Identifiers: ClinVar variation 309871 (VCV000309871.6), dbSNP rs3809125, ClinGen allele CA10633317.